The following is an entry in ClinVar:

NM_000548.5(TSC2):c.582C>T (p.Tyr194=)

Gene: TSC2 (TSC complex subunit 2; plus strand). Cytogenetic location: 16p13.3.
Variant type: single nucleotide variant.
Coding change: c.582C>T on transcript NM_000548.5 (MANE Select); coding-DNA position 582, C replaced by T.
Protein change: p.Tyr194=; no amino-acid change (tyrosine 194 retained).
Molecular consequence: synonymous variant. On other transcripts: intron variant (1).
Genome position (GRCh38, 1-based): chr16:2,055,502, C>T. VCF-style: chr16-2055502-C-T. GRCh37 (hg19) VCF-style: chr16-2105503-C-T.
Other names: c.582C>T, p.Tyr194= (NM_001077183.3, NM_001114382.3, NM_001363528.2 and 3 more transcripts); c.471C>T, p.Tyr157= (NM_001318827.2); c.435C>T, p.Tyr145= (NM_001318829.2); c.615C>T, p.Tyr205= (NM_001318832.2); c.-1-694C>T (NM_001318831.2).
Identifiers: ClinVar variation 825996 (VCV000825996.17), dbSNP rs750174170, ClinGen allele CA055436.
Genomic context (GRCh38, chr16:2,055,502, plus strand): 5'-GGAATTCCTTCTGGTGCTGGTGAACTTGGTCAAATTCAATAGCTGTTACCTCGACGAGTA[C>T]ATCGCAAGGATGGTTCAGTAAGAAAAGAATTGAGATCCTGTTCTGATAATGGTCCTAAGT-3'
Protein context (NP_000539.2, residues 184-204): VKFNSCYLDE[Tyr194=]IARMVQMICL

ClinVar aggregate classification (germline): Benign/Likely benign. Review status: criteria provided, multiple submitters, no conflicts (2 of 4 stars). 5 submissions from 5 submitters: Benign (2); Likely benign (3). Last evaluated 2025-05-08.

Conditions:
Tuberous sclerosis 2 (TSC2). Identifiers: Orphanet 805, MedGen C1860707, MONDO:0013199, OMIM 613254.
Tuberous sclerosis syndrome (TSC). Also called: Tuberous Sclerosis Complex; Tuberous sclerosis. Identifiers: Orphanet 805, MedGen C0041341, MONDO:0001734.
Hereditary cancer-predisposing syndrome. Also called: Neoplastic Syndromes, Hereditary; Hereditary Cancer Syndrome; Hereditary neoplastic syndrome; Tumor predisposition. Identifiers: Orphanet 140162, MedGen C0027672, MeSH D009386, MONDO:0015356.

Allele frequency attached by ClinVar (database versions not stated): gnomAD below 0.00001 and 0.00001; gnomAD exomes below 0.00001 and 0.00001; ExAC 0.00002.
gnomAD v4.1: 4 of 1,613,928 alleles (0.00025%); highest among the groups gnomAD compares: South Asian, 0.0011%; no homozygotes.

Submissions (5):

Myriad Genetics, Inc.
Classification: Benign for Tuberous sclerosis 2. Last evaluated: 2025-05-08. Review status: criteria provided, single submitter. Criteria: Myriad Autosomal Dominant, Autosomal Recessive and X-Linked Classification Criteria (2023). Collection method: clinical testing. Allele origin: unknown.
Comment: This variant is considered benign. This variant is a silent/synonymous amino acid change and it is not expected to impact splicing.

All of Us Research Program, National Institutes of Health
Classification: Likely benign for Tuberous sclerosis syndrome. Last evaluated: 2024-04-16. Review status: criteria provided, single submitter. Criteria: ACMG Guidelines, 2015. Collection method: clinical testing. Allele origin: germline. Inheritance: Autosomal dominant inheritance. Observed: 1 variant allele, 1 heterozygote.
Comment: This study involves interpretation of variants in research participants for the purpose of population health screening. Participant phenotype was not available at the time of variant classification. Additional details can be found in publication PMID: 35346344, PMCID: PMC8962531

Labcorp Genetics (formerly Invitae), Labcorp
Classification: Likely benign for Tuberous sclerosis 2. Last evaluated: 2024-03-29. Review status: criteria provided, single submitter. Criteria: Invitae Variant Classification Sherloc (09022015). Collection method: clinical testing. Allele origin: germline.

Genome-Nilou Lab
Classification: Benign for Tuberous sclerosis 2. Last evaluated: 2021-11-07. Review status: criteria provided, single submitter. Criteria: ACMG Guidelines, 2015. Collection method: clinical testing. Allele origin: germline. Affected: no.

Ambry Genetics
Classification: Likely benign for Hereditary cancer-predisposing syndrome. Last evaluated: 2019-02-23. Review status: criteria provided, single submitter. Criteria: Ambry Variant Classification Scheme 2023. Collection method: clinical testing. Allele origin: germline.